The following is an entry in ClinVar:

NM_004727.3(SLC24A1):c.1562G>A (p.Ser521Asn)

Gene: SLC24A1 (solute carrier family 24 member 1; plus strand). Cytogenetic location: 15q22.31.
Variant type: single nucleotide variant.
Coding change: c.1562G>A on transcript NM_004727.3 (MANE Select); coding-DNA position 1562, G replaced by A.
Protein change: p.Ser521Asn; replaces serine 521 with asparagine.
Molecular consequence: missense variant.
Genome position (GRCh38, 1-based): chr15:65,625,642, G>A. VCF-style: chr15-65625642-G-A. GRCh37 (hg19) VCF-style: chr15-65917980-G-A.
Other names: c.1562G>A, p.Ser521Asn (NM_001301031.1, NM_001301032.1, NM_001301033.2); short protein forms S521N.
Identifiers: ClinVar variation 972106 (VCV000972106.8), dbSNP rs779978590, ClinGen allele CA7619934.

ClinVar aggregate classification (germline): Uncertain significance (1 of 4 stars; one submission).

Allele frequency attached by ClinVar (database versions not stated): gnomAD exomes 0.00001 and 0.00003; ExAC 0.00002; gnomAD 0.00003 and 0.00005; TOPMed 0.00004.
gnomAD v4.1: 21 of 1,613,996 alleles (0.0013%); highest among the groups gnomAD compares: East Asian, 0.033%; no homozygotes.

Submission:

Labcorp Genetics (formerly Invitae), Labcorp
Classification: Uncertain significance. Last evaluated: 2024-08-12. Review status: criteria provided, single submitter. Criteria: Invitae Variant Classification Sherloc (09022015). Collection method: clinical testing. Allele origin: germline.
Comment: This sequence change replaces serine, which is neutral and polar, with asparagine, which is neutral and polar, at codon 521 of the SLC24A1 protein (p.Ser521Asn). This variant is present in population databases (rs779978590, gnomAD 0.04%). This variant has not been reported in the literature in individuals affected with SLC24A1-related conditions. ClinVar contains an entry for this variant (Variation ID: 972106). An algorithm developed to predict the effect of missense changes on protein structure and function (PolyPhen-2) suggests that this variant is likely to be disruptive. In summary, the available evidence is currently insufficient to determine the role of this variant in disease. Therefore, it has been classified as a Variant of Uncertain Significance.